The following is an entry in ClinVar:

NM_000565.4(IL6R):c.1046C>T (p.Ala349Val)

Gene: IL6R (interleukin 6 receptor; plus strand). Cytogenetic location: 1q21.3.
Variant type: single nucleotide variant.
Coding change: c.1046C>T on transcript NM_000565.4 (MANE Select); coding-DNA position 1046, C replaced by T.
Protein change: p.Ala349Val; replaces alanine 349 with valine.
Molecular consequence: missense variant.
Genome position (GRCh38, 1-based): chr1:154,449,960, C>T. VCF-style: chr1-154449960-C-T. GRCh37 (hg19) VCF-style: chr1-154422436-C-T.
Other names: c.1046C>T, p.Ala349Val (NM_001382769.1, NM_181359.3); c.1139C>T, p.Ala380Val (NM_001382770.1); c.1094C>T, p.Ala365Val (NM_001382771.1, NM_001382773.1); c.1040C>T, p.Ala347Val (NM_001382772.1); c.686C>T, p.Ala229Val (NM_001382774.1); short protein forms A229V, A347V, A349V, A365V, A380V.
Identifiers: ClinVar variation 1467891 (VCV001467891.8), dbSNP rs768173607, ClinGen allele CA342623755.
Genomic context (GRCh38, chr1:154,449,960, plus strand): 5'-GTCTCTTTTAGGCACTTACTACTAATAAAGACGATGATAATATTCTCTTCAGAGATTCTG[C>T]AAATGCGACAAGCCTCCCAGGTAAGGACTGGGTATTTTCATATTCCCAGGGTCCGAGGGA-3'
Protein context (NP_000556.1, residues 339-359): DDDNILFRDS[Ala349Val]NATSLPVQDS

ClinVar aggregate classification (germline): Uncertain significance (1 of 4 stars; one submission).

Submission:

Labcorp Genetics (formerly Invitae), Labcorp
Classification: Uncertain significance. Last evaluated: 2022-08-31. Review status: criteria provided, single submitter. Criteria: Invitae Variant Classification Sherloc (09022015). Collection method: clinical testing. Allele origin: germline.
Comment: In summary, the available evidence is currently insufficient to determine the role of this variant in disease. Therefore, it has been classified as a Variant of Uncertain Significance. Algorithms developed to predict the effect of sequence changes on RNA splicing suggest that this variant may disrupt the consensus splice site. Algorithms developed to predict the effect of missense changes on protein structure and function output the following: SIFT: "Tolerated"; PolyPhen-2: "Benign"; Align-GVGD: "Class C0". The valine amino acid residue is found in multiple mammalian species, which suggests that this missense change does not adversely affect protein function. ClinVar contains an entry for this variant (Variation ID: 1467891). This variant has not been reported in the literature in individuals affected with IL6R-related conditions. This variant is not present in population databases (gnomAD no frequency). This sequence change replaces alanine, which is neutral and non-polar, with valine, which is neutral and non-polar, at codon 349 of the IL6R protein (p.Ala349Val).